The following is an entry in ClinVar:

ClinVar aggregate classification (germline): Benign/Likely benign. Review status: criteria provided, multiple submitters, no conflicts (2 of 4 stars). 4 submissions from 4 submitters: Benign (1); Likely benign (3). Last evaluated 2024-08-13.

Conditions:
Hereditary cancer-predisposing syndrome. Also called: Tumor predisposition; Hereditary Cancer Syndrome; Neoplastic Syndromes, Hereditary; Hereditary neoplastic syndrome. Identifiers: Orphanet 140162, MedGen C0027672, MeSH D009386, MONDO:0015356.
BAP1-related tumor predisposition syndrome (TPDS1). Also called: Tumor susceptibility linked to germline BAP1 mutations; COMMON Syndrome; TUMOR PREDISPOSITION SYNDROME 1; BAP1 tumor predisposition syndrome. Identifiers: Orphanet 289539, MedGen C3280492, MONDO:0013692, OMIM 614327.

Allele frequency attached by ClinVar (database versions not stated): gnomAD exomes below 0.00001.
gnomAD v4.1: 1 of 1,609,380 alleles (0.000062%); highest among the groups gnomAD compares: Non-Finnish European, 0.000085%; no homozygotes.

Submissions (4):

Labcorp Genetics (formerly Invitae), Labcorp
Classification: Likely benign for BAP1-related tumor predisposition syndrome. Last evaluated: 2024-08-13. Review status: criteria provided, single submitter. Criteria: Invitae Variant Classification Sherloc (09022015). Collection method: clinical testing. Allele origin: germline.

Myriad Genetics, Inc.
Classification: Benign for BAP1-related tumor predisposition syndrome. Last evaluated: 2024-07-11. Review status: criteria provided, single submitter. Criteria: Myriad Autosomal Dominant, Autosomal Recessive and X-Linked Classification Criteria (2023). Collection method: clinical testing. Allele origin: unknown.
Comment: This variant is considered benign. This variant is a silent/synonymous amino acid change and it is not expected to impact splicing.

Color Diagnostics, LLC DBA Color Health
Classification: Likely benign for Hereditary cancer-predisposing syndrome. Last evaluated: 2022-08-15. Review status: criteria provided, single submitter. Criteria: ACMG Guidelines, 2015. Collection method: clinical testing. Allele origin: germline.

Ambry Genetics
Classification: Likely benign for Hereditary cancer-predisposing syndrome. Last evaluated: 2021-07-13. Review status: criteria provided, single submitter. Criteria: Ambry Variant Classification Scheme 2023. Collection method: clinical testing. Allele origin: germline.

NM_004656.4(BAP1):c.270T>G (p.Ser90=)

Gene: BAP1 (BRCA1 associated deubiquitinase 1; minus strand). Cytogenetic location: 3p21.1.
Variant type: single nucleotide variant.
Coding change: c.270T>G on transcript NM_004656.4 (MANE Select); coding-DNA position 270, T replaced by G.
Protein change: p.Ser90=; no amino-acid change (serine 90 retained).
Molecular consequence: synonymous variant.
Genome position (GRCh38, 1-based): chr3:52,408,063, A>C on the plus strand (T>G on the coding strand, the complement: BAP1 is on the minus strand). VCF-style: chr3-52408063-A-C. GRCh37 (hg19) VCF-style: chr3-52442079-A-C.
Other names: c.270T>G, p.Ser90= (NM_001410772.1).
Identifiers: ClinVar variation 1795070 (VCV001795070.7), dbSNP rs1705222734, ClinGen allele CA433777762.
Genomic context (GRCh38, chr3:52,408,063, plus strand): 5'-GGGTCCCAGGTCCACGCTGCTGCAGTTCAGGAGCACGCTCAGCAAGGCATGAGTTGCACA[A>C]GAGTTGGGTATCAGCTGTGAAACCAAGAATAGTCACCCATACACAGCACCCCTCACTGCA-3'
Protein context (NP_004647.1, residues 80-100): MFFAHQLIPN[Ser90=]CATHALLSVL